The following is an entry in ClinVar:

NM_001042724.2(NECTIN2):c.1361A>G (p.Tyr454Cys)

Gene: NECTIN2 (nectin cell adhesion molecule 2; plus strand). Cytogenetic location: 19q13.32.
Variant type: single nucleotide variant.
Coding change: c.1361A>G on transcript NM_001042724.2 (MANE Select); coding-DNA position 1361, A replaced by G.
Protein change: p.Tyr454Cys; replaces tyrosine 454 with cysteine.
Molecular consequence: missense variant.
Genome position (GRCh38, 1-based): chr19:44,888,123, A>G. VCF-style: chr19-44888123-A-G. GRCh37 (hg19) VCF-style: chr19-45391380-A-G.
Other names: short protein forms Y454C.
Identifiers: ClinVar variation 2629589 (VCV002629589.1), dbSNP rs1276887019, ClinGen allele CA406291124.

ClinVar aggregate classification (germline): Uncertain significance (1 of 4 stars; one submission).

Conditions:
NECTIN2-related disorder. Also called: NECTIN2-related condition.

Allele frequency attached by ClinVar (database versions not stated): gnomAD exomes below 0.00001; gnomAD 0.00001; TOPMed 0.00001.
gnomAD v4.1: 4 of 1,612,344 alleles (0.00025%); highest among the groups gnomAD compares: Non-Finnish European, 0.00034%; no homozygotes.

Submission:

PreventionGenetics, part of Exact Sciences
Classification: Uncertain significance for NECTIN2-related condition. Last evaluated: 2022-12-30. Review status: criteria provided, single submitter. Criteria: ACMG Guidelines, 2015. Collection method: clinical testing. Allele origin: germline.
Comment: The NECTIN2 c.1361A>G variant is predicted to result in the amino acid substitution p.Tyr454Cys. To our knowledge, this variant has not been reported in the literature or in a large population database, indicating this variant is rare. At this time, the clinical significance of this variant is uncertain due to the absence of conclusive functional and genetic evidence.